The following is an entry in ClinVar:

NM_004999.4(MYO6):c.2658+8A>G

Gene: MYO6 (myosin VI; plus strand). Cytogenetic location: 6q14.1.
Variant type: single nucleotide variant.
Coding change: c.2658+8A>G on transcript NM_004999.4 (MANE Select); 8 bases into the intron after coding-DNA position 2658, A replaced by G.
Molecular consequence: intron variant.
Genome position (GRCh38, 1-based): chr6:75,887,002, A>G. VCF-style: chr6-75887002-A-G. GRCh37 (hg19) VCF-style: chr6-76596719-A-G.
Other names: c.2658+8A>G (NM_001368865.1, NM_001368866.1, NM_001368137.1 and 2 more transcripts); c.2643+8A>G (NM_001368138.1).
Identifiers: ClinVar variation 45149 (VCV000045149.6), dbSNP rs397517048, ClinGen allele CA135617.
Genomic context (GRCh38, chr6:75,887,002, plus strand): 5'-AACAGATCAAGAATCTGGAAATTTCTATTGATACTTTGATGGCCAAAATTAAGGTATGTA[A>G]TTTCAACCCGAATGACTTTGACTTTTTATGTAATTTAATATATTTTGTTATTGGTATTGA-3'

ClinVar aggregate classification (germline): Likely benign. Review status: criteria provided, multiple submitters, no conflicts (2 of 4 stars). 2 submissions from 2 submitters: Likely benign (2). Last evaluated 2020-08-13.

Allele frequency attached by ClinVar (database versions not stated): ExAC 0.00001; gnomAD exomes 0.00001 and 0.00002.
gnomAD v4.1: 23 of 1,610,062 alleles (0.0014%); highest among the groups gnomAD compares: Middle Eastern, 0.033%; no homozygotes.

Submissions (2):

Blueprint Genetics
Classification: Likely benign. Last evaluated: 2020-08-13. Review status: criteria provided, single submitter. Criteria: ACMG Guidelines, 2015. Collection method: clinical testing. Allele origin: germline.

Laboratory for Molecular Medicine, Mass General Brigham Personalized Medicine
Classification: Likely benign. Last evaluated: 2012-04-11. Review status: criteria provided, single submitter. Criteria: LMM Criteria. Collection method: clinical testing. Allele origin: germline. Observed: 1 variant allele.
Comment: 2658+8A>G in intron 25 of MYO6: This variant is not expected to have clinical si gnificance because it is not located within the splice consensus sequence.